The following is an entry in ClinVar:

ClinVar aggregate classification (germline): Uncertain significance. Review status: criteria provided, single submitter (1 of 4 stars). 2 submissions from 2 submitters: Uncertain significance (1). 1 of the submissions does not count toward it. Last evaluated 2025-08-09.

Conditions:
ROBO3-related disorder. Also called: ROBO3-related condition.
Inborn genetic diseases. Identifiers: MedGen C0950123, MeSH D030342.

Submissions (2):

Ambry Genetics
Classification: Uncertain significance for Inborn genetic diseases. Last evaluated: 2025-08-09. Review status: criteria provided, single submitter. Criteria: Ambry Variant Classification Scheme 2023. Collection method: clinical testing. Allele origin: germline.

PreventionGenetics, part of Exact Sciences
Classification: Uncertain significance for ROBO3-related condition. Last evaluated: 2024-03-21. Review status: no assertion criteria provided. Collection method: clinical testing. Allele origin: germline. Not counted in ClinVar's aggregate classification.
Comment: The ROBO3 c.2054C>G variant is predicted to result in the amino acid substitution p.Thr685Ser. To our knowledge, this variant has not been reported in the literature. This variant is reported in 0.0031% of alleles in individuals of Latino descent in gnomAD. At this time, the clinical significance of this variant is uncertain due to the absence of conclusive functional and genetic evidence.

NM_022370.4(ROBO3):c.2054C>G (p.Thr685Ser)

Gene: ROBO3 (roundabout guidance receptor 3; plus strand). Cytogenetic location: 11q24.2.
Variant type: single nucleotide variant.
Coding change: c.2054C>G on transcript NM_022370.4 (MANE Select); coding-DNA position 2054, C replaced by G.
Protein change: p.Thr685Ser; replaces threonine 685 with serine.
Molecular consequence: missense variant.
Genome position (GRCh38, 1-based): chr11:124,874,890, C>G. VCF-style: chr11-124874890-C-G. GRCh37 (hg19) VCF-style: chr11-124744786-C-G.
Other names: short protein forms T685S.
Identifiers: ClinVar variation 3354963 (VCV003354963.2).